The following is an entry in ClinVar:

ClinVar aggregate classification (germline): Likely benign (1 of 4 stars; one submission).

Submission:

CeGaT Center for Human Genetics Tuebingen
Classification: Likely benign. Last evaluated: 2026-09-01. Review status: criteria provided, single submitter. Criteria: CeGaT Center For Human Genetics Tuebingen Variant Classification Criteria Version 2. Collection method: clinical testing. Allele origin: germline. Affected: yes. Observed: 1 variant allele.
Comment: MADD: PM2:Supporting, BP4, BP7

NM_001376571.1(MADD):c.717C>G (p.Ala239=)

Gene: MADD (MAP kinase activating death domain; plus strand). Cytogenetic location: 11p11.2.
Variant type: single nucleotide variant.
Coding change: c.717C>G on transcript NM_001376571.1 (MANE Select); coding-DNA position 717, C replaced by G.
Protein change: p.Ala239=; no amino-acid change (alanine 239 retained).
Molecular consequence: synonymous variant. On other transcripts: non-coding transcript variant (8).
Genome position (GRCh38, 1-based): chr11:47,275,956, C>G. VCF-style: chr11-47275956-C-G. GRCh37 (hg19) VCF-style: chr11-47297507-C-G.
Other names: c.717C>G, p.Ala239= (NM_001135943.2, NM_001135944.2, NM_001376572.1 and 80 more transcripts); c.513C>G, p.Ala171= (NM_001376620.1, NM_001376626.1, NM_001376627.1 and 9 more transcripts); c.51C>G, p.Ala17= (NM_001376663.1).
Identifiers: ClinVar variation 5041694 (VCV005041694.1).